The following is an entry in ClinVar:

ClinVar aggregate classification (germline): Uncertain significance (1 of 4 stars; one submission).

Conditions:
Inborn genetic diseases. Identifiers: MedGen C0950123, MeSH D030342.

Submission:

Ambry Genetics
Classification: Uncertain significance for Inborn genetic diseases. Last evaluated: 2016-07-05. Review status: criteria provided, single submitter. Criteria: Ambry Variant Classification Scheme 2023. Collection method: clinical testing. Allele origin: germline.
Comment: The p.V239A variant (also known as c.716T>C), located in coding exon 6 of the PNKP gene, results from a T to C substitution at nucleotide position 716. The valine at codon 239 is replaced by alanine, an amino acid with similar properties. This variant was not reported in population based cohorts in the following databases: Database of Single Nucleotide Polymorphisms (dbSNP), NHLBI Exome Sequencing Project (ESP), and 1000 Genomes Project. In the ESP, this variant was not observed in 6503 samples (13006 alleles) with coverage at this position. This amino acid position is well conserved in available vertebrate species. In addition, the in silico prediction for this alteration is inconclusive. Since supporting evidence is limited at this time, the clinical significance of this variant remains unclear.

NM_007254.4(PNKP):c.716T>C (p.Val239Ala)

Gene: PNKP (polynucleotide kinase 3'-phosphatase; minus strand). Cytogenetic location: 19q13.33.
Variant type: single nucleotide variant.
Coding change: c.716T>C on transcript NM_007254.4 (MANE Select); coding-DNA position 716, T replaced by C.
Protein change: p.Val239Ala; replaces valine 239 with alanine.
Molecular consequence: missense variant.
Genome position (GRCh38, 1-based): chr19:49,863,992, A>G on the plus strand (T>C on the coding strand, the complement: PNKP is on the minus strand). VCF-style: chr19-49863992-A-G. GRCh37 (hg19) VCF-style: chr19-50367249-A-G.
Other names: short protein forms V239A.
Identifiers: ClinVar variation 588004 (VCV000588004.5), dbSNP rs1568661537, ClinGen allele CA406886103.